The following is an entry in ClinVar:

ClinVar aggregate classification (germline): Uncertain significance (1 of 4 stars; one submission).

Submission:

Labcorp Genetics (formerly Invitae), Labcorp
Classification: Uncertain significance. Last evaluated: 2023-07-29. Review status: criteria provided, single submitter. Criteria: Invitae Variant Classification Sherloc (09022015). Collection method: clinical testing. Allele origin: germline.
Comment: In summary, the available evidence is currently insufficient to determine the role of this variant in disease. Therefore, it has been classified as a Variant of Uncertain Significance. An algorithm developed to predict the effect of missense changes on protein structure and function (PolyPhen-2) suggests that this variant is likely to be disruptive. This variant has not been reported in the literature in individuals affected with DGKZ-related conditions. This variant is not present in population databases (gnomAD no frequency). This sequence change replaces threonine, which is neutral and polar, with isoleucine, which is neutral and non-polar, at codon 726 of the DGKZ protein (p.Thr726Ile).

NM_001199267.2(DGKZ):c.1610C>T (p.Thr537Ile)

Gene: DGKZ (diacylglycerol kinase zeta; plus strand). Cytogenetic location: 11p11.2.
Variant type: single nucleotide variant.
Coding change: c.1610C>T on transcript NM_001199267.2 (MANE Select); coding-DNA position 1610, C replaced by T.
Protein change: p.Thr537Ile; replaces threonine 537 with isoleucine.
Molecular consequence: missense variant.
Genome position (GRCh38, 1-based): chr11:46,374,948, C>T. VCF-style: chr11-46374948-C-T. GRCh37 (hg19) VCF-style: chr11-46396498-C-T.
Other names: c.2177C>T, p.Thr726Ile (NM_001105540.2); c.1613C>T, p.Thr538Ile (NM_001199266.2, NM_003646.4); c.1544C>T, p.Thr515Ile (NM_001199268.2); c.1661C>T, p.Thr554Ile (NM_201532.3); c.1625C>T, p.Thr542Ile (NM_201533.3); short protein forms T515I, T537I, T538I, T542I, T554I, T726I.
Identifiers: ClinVar variation 2745831 (VCV002745831.3), dbSNP rs2496536540, ClinGen allele CA380223572.